The following is an entry in ClinVar:

ClinVar aggregate classification (germline): Likely pathogenic (1 of 4 stars; one submission).

Conditions:
GNPTG-mucolipidosis. Also called: ML III GAMMA; ML IIIC; MUCOLIPIDOSIS III, COMPLEMENTATION GROUP C; MUCOLIPIDOSIS III, IRANIAN VARIANT FORM; MUCOLIPIDOSIS III, VARIANT FORM; Mucolipidosis type III gamma. Identifiers: Orphanet 423470, Orphanet 577, MedGen C1854896, MONDO:0009652, OMIM 252605.

Submission:

Natera, Inc.
Classification: Likely pathogenic for Mucolipidosis III gamma. Last evaluated: 2025-10-05. Review status: criteria provided, single submitter. Criteria: Natera Variant Classification Schema (03/2026). Collection method: clinical testing. Allele origin: germline.
Comment: The c.412-2A>T variant in GNPTG is a canonical splice acceptor site variant predicted to affect pre-mRNA splicing, which may result in an abnormal transcript and altered protein product. This variant is expected to result in nonsense mediated decay, truncation, or a dysfunctional protein product. This variant is rare in the general population with a frequency below the threshold expected for the associated phenotype(s). Given the available evidence, this variant is classified as Likely Pathogenic.

NM_032520.5(GNPTG):c.412-2A>T

Gene: GNPTG (N-acetylglucosamine-1-phosphate transferase subunit gamma; plus strand). Cytogenetic location: 16p13.3.
Variant type: single nucleotide variant.
Coding change: c.412-2A>T on transcript NM_032520.5 (MANE Select); the canonical splice acceptor site of the intron before coding-DNA position 412, A replaced by T.
Molecular consequence: splice acceptor variant.
Genome position (GRCh38, 1-based): chr16:1,362,204, A>T. VCF-style: chr16-1362204-A-T. GRCh37 (hg19) VCF-style: chr16-1412205-A-T.
Identifiers: ClinVar variation 4816335 (VCV004816335.1).